The following is an entry in ClinVar:

NM_000080.4(CHRNE):c.637G>A (p.Val213Met)

Genes: C17orf107 (chromosome 17 open reading frame 107; plus strand), CHRNE (cholinergic receptor nicotinic epsilon subunit; minus strand). Cytogenetic location: 17p13.2.
Variant type: single nucleotide variant.
Coding change: c.637G>A on transcript NM_000080.4 (MANE Select); coding-DNA position 637, G replaced by A.
Protein change: p.Val213Met; replaces valine 213 with methionine.
Molecular consequence: missense variant. On other transcripts: 3 prime UTR variant (1).
Genome position (GRCh38, 1-based): chr17:4,901,155, C>T on the plus strand (G>A on the coding strand, the complement: CHRNE is on the minus strand). VCF-style: chr17-4901155-C-T. GRCh37 (hg19) VCF-style: chr17-4804450-C-T.
Other names: c.*622C>T (NM_001145536.2); short protein forms V213M.
Identifiers: ClinVar variation 1502206 (VCV001502206.8), dbSNP rs1174721586, ClinGen allele CA397305217.
Genomic context (GRCh38, chr17:4,901,155, plus strand): 5'-AGTAGATGACGTCAGTCTCCCCTGGGCCGTCGGTGGCGCCACCGTGGTGGCGGCGGATCA[C>T]CCCCGGGCAGAAGTCGATGGCCCACTCGCCGTTCTCTGCGGGACGGGGGCACGGTCAGCT-3'
Protein context (NP_000071.1, residues 203-223): GEWAIDFCPG[Val213Met]IRRHHGGATD

ClinVar aggregate classification (germline): Uncertain significance (1 of 4 stars; one submission).

Conditions:
Congenital myasthenic syndrome 4A. Also called: Myasthenic syndrome, congenital, 4a, slow-channel; CONGENITAL MYASTHENIC SYNDROME TYPE Ia1; MYASTHENIC SYNDROME, CONGENITAL, 4A, SLOW-CHANNEL, AUTOSOMAL RECESSIVE. Identifiers: Orphanet 590, MedGen C4225413, MONDO:0011600, OMIM 605809.

Allele frequency attached by ClinVar (database versions not stated): gnomAD exomes below 0.00001; TOPMed below 0.00001; gnomAD 0.00001.

Submission:

Labcorp Genetics (formerly Invitae), Labcorp
Classification: Uncertain significance for Congenital myasthenic syndrome 4A. Last evaluated: 2020-11-06. Review status: criteria provided, single submitter. Criteria: Invitae Variant Classification Sherloc (09022015). Collection method: clinical testing. Allele origin: germline.
Comment: This variant is not present in population databases (ExAC no frequency). In summary, the available evidence is currently insufficient to determine the role of this variant in disease. Therefore, it has been classified as a Variant of Uncertain Significance. Advanced modeling of protein sequence and biophysical properties (such as structural, functional, and spatial information, amino acid conservation, physicochemical variation, residue mobility, and thermodynamic stability) performed at Invitae indicates that this missense variant is not expected to disrupt CHRNE protein function. This variant has not been reported in the literature in individuals with CHRNE-related conditions. This sequence change replaces valine with methionine at codon 213 of the CHRNE protein (p.Val213Met). The valine residue is weakly conserved and there is a small physicochemical difference between valine and methionine.